The following is an entry in ClinVar:

NM_000154.2(GALK1):c.837_841dup (p.Val281fs)

Gene: GALK1 (galactokinase 1; minus strand). Cytogenetic location: 17q25.1.
Variant type: Duplication.
Coding change: c.837_841dup on transcript NM_000154.2 (MANE Select); coding-DNA positions 837 to 841, 5 bases duplicated (GCACG; older notation c.837_841dupGCACG).
Protein change: p.Val281fs; shifts the reading frame from valine 281.
Molecular consequence: frameshift variant.
Genome position (GRCh38, 1-based): chr17:75,758,552-75,758,556, CGTGC duplicated on the plus strand (GCACG on the coding strand, the reverse complement: GALK1 is on the minus strand); duplicating any 5 consecutive bases within chr17:75,758,552-75,758,558 gives the same sequence; the c. name uses the placement nearest the transcript's 3' end. VCF-style (leftmost placement, unchanged base first): chr17-75758551-A-ACGTGC. GRCh37 (hg19) VCF-style: chr17-73754632-A-ACGTGC.
Other names: c.837_841dup, p.Val281fs (NM_001381985.1); short protein forms V281fs.
Identifiers: ClinVar variation 2110748 (VCV002110748.4), dbSNP rs2545900296, ClinGen allele CA2580095162.

ClinVar aggregate classification (germline): Pathogenic (1 of 4 stars; one submission).

Conditions:
Deficiency of galactokinase. Also called: Galactokinase deficiency with cataracts; GALACTOSEMIA II. Identifiers: Orphanet 352, Orphanet 79237, MedGen C0268155, MONDO:0009255, OMIM 230200.

Submission:

Labcorp Genetics (formerly Invitae), Labcorp
Classification: Pathogenic for Deficiency of galactokinase. Last evaluated: 2021-11-18. Review status: criteria provided, single submitter. Criteria: Invitae Variant Classification Sherloc (09022015). Collection method: clinical testing. Allele origin: germline.
Comment: For these reasons, this variant has been classified as Pathogenic. This variant has not been reported in the literature in individuals affected with GALK1-related conditions. This variant is not present in population databases (gnomAD no frequency). This sequence change creates a premature translational stop signal (p.Val281Glyfs*17) in the GALK1 gene. It is expected to result in an absent or disrupted protein product. Loss-of-function variants in GALK1 are known to be pathogenic (PMID: 7670469, 10790206).

Literature cited by the submitters: PubMed 7670469; PubMed 10790206.